The following is an entry in ClinVar:

NM_003640.5(ELP1):c.285C>A (p.Cys95Ter)

Gene: ELP1 (elongator acetyltransferase complex subunit 1; minus strand). Cytogenetic location: 9q31.3.
Variant type: single nucleotide variant.
Coding change: c.285C>A on transcript NM_003640.5 (MANE Select); coding-DNA position 285, C replaced by A.
Protein change: p.Cys95Ter; replaces cysteine 95 with a stop codon.
Molecular consequence: nonsense. On other transcripts: 5 prime UTR variant (2).
Genome position (GRCh38, 1-based): chr9:108,929,787, G>T on the plus strand (C>A on the coding strand, the complement: ELP1 is on the minus strand). VCF-style: chr9-108929787-G-T. GRCh37 (hg19) VCF-style: chr9-111692067-G-T.
Other names: c.-58C>A (NM_001318360.2); c.-575C>A (NM_001330749.2); short protein forms C95*.
Identifiers: ClinVar variation 4067248 (VCV004067248.2).

ClinVar aggregate classification (germline): Likely pathogenic (1 of 4 stars; one submission).

Conditions:
Familial dysautonomia. Also called: FD; HSAN III. Identifiers: Orphanet 1764, MedGen C0013364, MONDO:0009131, OMIM 223900. Disease mechanism: loss of function.

Submission:

Natera, Inc.
Classification: Likely pathogenic for Familial dysautonomia. Last evaluated: 2025-03-24. Review status: criteria provided, single submitter. Criteria: Natera Variant Classification Schema (03/2026). Collection method: clinical testing. Allele origin: germline.
Comment: The c.285C>A variant in ELP1 is a nonsense variant predicted to introduce a stop codon at amino acid 95. This variant is expected to result in nonsense mediated decay, truncation, or a dysfunctional protein product. This variant is rare in the general population with a frequency below the threshold expected for the associated phenotype(s). Given the available evidence, this variant is classified as Likely Pathogenic.